The following is an entry in ClinVar:

ClinVar aggregate classification (germline): Uncertain significance. Review status: criteria provided, multiple submitters, no conflicts (2 of 4 stars). 2 submissions from 2 submitters: Uncertain significance (2). Last evaluated 2025-10-07.

Conditions:
Spastic paraplegia. Identifiers: MedGen C0037772, HP:0001258.

Allele frequency attached by ClinVar (database versions not stated): TOPMed 0.00001; ExAC 0.00002.
gnomAD v4.1: 6 of 1,613,674 alleles (0.00037%); highest among the groups gnomAD compares: Non-Finnish European, 0.00051%; no homozygotes.

Submissions (2):

Labcorp Genetics (formerly Invitae), Labcorp
Classification: Uncertain significance for Spastic paraplegia. Last evaluated: 2025-10-07. Review status: criteria provided, single submitter. Criteria: Invitae Variant Classification Sherloc (09022015). Collection method: clinical testing. Allele origin: germline.
Comment: This sequence change replaces leucine, which is neutral and non-polar, with valine, which is neutral and non-polar, at codon 3324 of the SACS protein (p.Leu3324Val). This variant is present in population databases (rs745704700, gnomAD 0.002%). This variant has not been reported in the literature in individuals affected with SACS-related conditions. ClinVar contains an entry for this variant (Variation ID: 1722975). Invitae Evidence Modeling of protein sequence and biophysical properties (such as structural, functional, and spatial information, amino acid conservation, physicochemical variation, residue mobility, and thermodynamic stability) indicates that this missense variant is not expected to disrupt SACS protein function with a negative predictive value of 95%. In summary, the available evidence is currently insufficient to determine the role of this variant in disease. Therefore, it has been classified as a Variant of Uncertain Significance.

GeneDx
Classification: Uncertain significance. Last evaluated: 2022-04-05. Review status: criteria provided, single submitter. Criteria: GeneDx Variant Classification Process June 2021. Collection method: clinical testing. Allele origin: germline. Affected: yes.
Comment: Not observed at significant frequency in large population cohorts (gnomAD); In silico analysis supports that this missense variant does not alter protein structure/function; Has not been previously published as pathogenic or benign to our knowledge

NM_014363.6(SACS):c.9970C>G (p.Leu3324Val)

Gene: SACS (sacsin molecular chaperone; minus strand). Cytogenetic location: 13q12.12.
Variant type: single nucleotide variant.
Coding change: c.9970C>G on transcript NM_014363.6 (MANE Select); coding-DNA position 9970, C replaced by G.
Protein change: p.Leu3324Val; replaces leucine 3324 with valine.
Molecular consequence: missense variant.
Genome position (GRCh38, 1-based): chr13:23,333,906, G>C on the plus strand (C>G on the coding strand, the complement: SACS is on the minus strand). VCF-style: chr13-23333906-G-C. GRCh37 (hg19) VCF-style: chr13-23908045-G-C.
Other names: c.9529C>G, p.Leu3177Val (NM_001278055.2); short protein forms L3177V, L3324V.
Identifiers: ClinVar variation 1722975 (VCV001722975.3), dbSNP rs745704700, ClinGen allele CA6910531.
Genomic context (GRCh38, chr13:23,333,906, plus strand): 5'-ATGCACTGTCTTTGGAACAGATTTTGTTCAAAGCAAGCTGAATACAGCCAGCTTTCATTA[G>C]AGCATGAAAAACTTTATCACTCTGGGCATTTGGAAAAACTGCAATGTGCATAAGGCTGAG-3'
Protein context (NP_055178.3, residues 3314-3334): NAQSDKVFHA[Leu3324Val]MKAGCIQLAL